The following is an entry in ClinVar:

NM_133379.5(TTN):c.16146T>C (p.Phe5382=)

Gene: TTN (titin; minus strand). Cytogenetic location: 2q31.2.
Variant type: single nucleotide variant.
Coding change: c.16146T>C on transcript NM_133379.5; coding-DNA position 16146, T replaced by C.
Protein change: p.Phe5382=; no amino-acid change (phenylalanine 5382 retained).
Molecular consequence: synonymous variant. On other transcripts: intron variant (6).
Genome position (GRCh38, 1-based): chr2:178,746,254, A>G on the plus strand (T>C on the coding strand, the complement: TTN is on the minus strand). VCF-style: chr2-178746254-A-G. GRCh37 (hg19) VCF-style: chr2-179610981-A-G.
Other names: c.16146T>C (NM_133379.4); c.10223-4333T>C (NM_003319.4); c.10799-4333T>C (NM_133437.4); c.10598-4333T>C (NM_133432.3); c.10360+6870T>C (NM_133378.4); c.10361-4333T>C (NM_001256850.1); c.11312-4333T>C (NM_001267550.2).
Identifiers: ClinVar variation 378804 (VCV000378804.2), dbSNP rs139775634, ClinGen allele CA2002986.
Genomic context (GRCh38, chr2:178,746,254, plus strand): 5'-TGAACATTTGAATACAGCATCTGAATTTTCTGGAATTTTAAAATCACAAATAGGCATTAT[A>G]AAGCGAGGAGGCATTTCAAATACTTCTAAATCAATTTTTAGTTCTTTGTCTTCTCCCTCC-3'

ClinVar aggregate classification (germline): Benign/Likely benign. Review status: criteria provided, multiple submitters, no conflicts (2 of 4 stars). 2 submissions from 2 submitters: Benign (1); Likely benign (1). Last evaluated 2026-01-22.

Conditions:
TTN-related disorder. Also called: TTN-related disorders; TTN-related condition; TTN-related disease.

Allele frequency attached by ClinVar (database versions not stated): gnomAD exomes 0.00001 and 0.00002; ExAC 0.00003; gnomAD 0.00012 and 0.00013; TOPMed 0.00012; ESP Exome Variant Server 0.00015.
gnomAD v4.1: 29 of 1,612,388 alleles (0.0018%); highest among the groups gnomAD compares: African/African-American, 0.037%; no homozygotes.

Submissions (2):

PreventionGenetics, part of Exact Sciences
Classification: Likely benign for TTN-related condition. Last evaluated: 2026-01-22. Review status: criteria provided, single submitter. Criteria: ACMG Guidelines, 2015. Collection method: clinical testing. Allele origin: germline.
Comment: This variant is classified as likely benign based on ACMG/AMP sequence variant interpretation guidelines (Richards et al. 2015 PMID: 25741868, with internal and published modifications).

GeneDx
Classification: Benign. Last evaluated: 2016-05-26. Review status: criteria provided, single submitter. Criteria: GeneDx Variant Classification (06012015). Collection method: clinical testing. Allele origin: germline. Affected: yes.
Comment: This variant is considered likely benign or benign based on one or more of the following criteria: it is a conservative change, it occurs at a poorly conserved position in the protein, it is predicted to be benign by multiple in silico algorithms, and/or has population frequency not consistent with disease.